The following is an entry in ClinVar:

NM_013432.5(TONSL):c.175C>G (p.Arg59Gly)

Gene: TONSL (tonsoku like, DNA repair protein; minus strand). Cytogenetic location: 8q24.3.
Variant type: single nucleotide variant.
Coding change: c.175C>G on transcript NM_013432.5 (MANE Select); coding-DNA position 175, C replaced by G.
Protein change: p.Arg59Gly; replaces arginine 59 with glycine.
Molecular consequence: missense variant.
Genome position (GRCh38, 1-based): chr8:144,443,971, G>C on the plus strand (C>G on the coding strand, the complement: TONSL is on the minus strand). VCF-style: chr8-144443971-G-C. GRCh37 (hg19) VCF-style: chr8-145669354-G-C.
Other names: c.175C>G (NM_013432.4); short protein forms R59G.
Identifiers: ClinVar variation 1973911 (VCV001973911.6), dbSNP rs752906055, ClinGen allele CA372679528.

ClinVar aggregate classification (germline): Uncertain significance. Review status: criteria provided, multiple submitters, no conflicts (2 of 4 stars). 2 submissions from 2 submitters: Uncertain significance (2). Last evaluated 2025-08-29.

Conditions:
Inborn genetic diseases. Identifiers: MedGen C0950123, MeSH D030342.

gnomAD v4.1: 4 of 1,541,084 alleles (0.00026%); highest among the groups gnomAD compares: Non-Finnish European, 0.00035%; no homozygotes.

Submissions (2):

Ambry Genetics
Classification: Uncertain significance for Inborn genetic diseases. Last evaluated: 2025-08-29. Review status: criteria provided, single submitter. Criteria: Ambry Variant Classification Scheme 2023. Collection method: clinical testing. Allele origin: germline.

Labcorp Genetics (formerly Invitae), Labcorp
Classification: Uncertain significance. Last evaluated: 2021-12-08. Review status: criteria provided, single submitter. Criteria: Invitae Variant Classification Sherloc (09022015). Collection method: clinical testing. Allele origin: germline.
Comment: This variant has not been reported in the literature in individuals affected with TONSL-related conditions. This sequence change replaces arginine, which is basic and polar, with glycine, which is neutral and non-polar, at codon 59 of the TONSL protein (p.Arg59Gly). This variant is not present in population databases (gnomAD no frequency). Algorithms developed to predict the effect of missense changes on protein structure and function output the following: SIFT: "Tolerated"; PolyPhen-2: "Benign"; Align-GVGD: "Class C0". The glycine amino acid residue is found in multiple mammalian species, which suggests that this missense change does not adversely affect protein function. In summary, the available evidence is currently insufficient to determine the role of this variant in disease. Therefore, it has been classified as a Variant of Uncertain Significance.